The following is an entry in ClinVar:

ClinVar aggregate classification (germline): Uncertain significance (1 of 4 stars; one submission).

Conditions:
Cardiovascular phenotype. Identifiers: MedGen CN230736.

Submission:

Ambry Genetics
Classification: Uncertain significance for Cardiovascular phenotype. Last evaluated: 2023-08-25. Review status: criteria provided, single submitter. Criteria: Ambry Variant Classification Scheme 2023. Collection method: clinical testing. Allele origin: germline.
Comment: The p.R2518Q variant (also known as c.7553G>A), located in coding exon 50 of the RYR2 gene, results from a G to A substitution at nucleotide position 7553. The arginine at codon 2518 is replaced by glutamine, an amino acid with highly similar properties. This amino acid position is highly conserved in available vertebrate species. In addition, this alteration is predicted to be deleterious by in silico analysis. Since supporting evidence is limited at this time, the clinical significance of this alteration remains unclear.

NM_001035.3(RYR2):c.7553G>A (p.Arg2518Gln)

Gene: RYR2 (ryanodine receptor 2; plus strand). Cytogenetic location: 1q43.
Variant type: single nucleotide variant.
Coding change: c.7553G>A on transcript NM_001035.3 (MANE Select); coding-DNA position 7553, G replaced by A.
Protein change: p.Arg2518Gln; replaces arginine 2518 with glutamine.
Molecular consequence: missense variant.
Genome position (GRCh38, 1-based): chr1:237,649,917, G>A. VCF-style: chr1-237649917-G-A. GRCh37 (hg19) VCF-style: chr1-237813217-G-A.
Other names: short protein forms R2518Q.
Identifiers: ClinVar variation 2587833 (VCV002587833.2), dbSNP rs1246380795, ClinGen allele CA345399064.
Genomic context (GRCh38, chr1:237,649,917, plus strand): 5'-ACTCTCTGATTCTTTTTCAGGCAGCTTTGAGTGCTACAGACATGGCCTTGGCCCTCAATC[G>A]GTACCTTTGCACAGCCGTCTTGCCATTGTTAACAAGATGTGCTCCTCTCTTTGCTGGCAC-3'
Protein context (NP_001026.2, residues 2508-2528): SATDMALALN[Arg2518Gln]YLCTAVLPLL